The following is an entry in ClinVar:

ClinVar aggregate classification (germline): Uncertain significance (1 of 4 stars; one submission).

Conditions:
Aicardi-Goutieres syndrome 6 (AGS6). Identifiers: Orphanet 51, MedGen C3539013, MONDO:0014007, OMIM 615010.
Symmetrical dyschromatosis of extremities (DSH). Also called: Dyschromatosis symmetrica hereditaria; DYSCHROMATOSIS SYMMETRICA HEREDITARIA 1; RETICULATE ACROPIGMENTATION OF DOHI; SYMMETRIC DYSCHROMATOSIS OF THE EXTREMITIES. Identifiers: Orphanet 41, MedGen C0406775, MONDO:0007483, OMIM 127400.

gnomAD v4.1: 1 of 1,614,178 alleles (0.000062%); no homozygotes.

Submission:

Labcorp Genetics (formerly Invitae), Labcorp
Classification: Uncertain significance for Aicardi-Goutieres syndrome 6; Symmetrical dyschromatosis of extremities. Last evaluated: 2025-09-28. Review status: criteria provided, single submitter. Criteria: Invitae Variant Classification Sherloc (09022015). Collection method: clinical testing. Allele origin: germline.
Comment: This sequence change replaces phenylalanine, which is neutral and non-polar, with cysteine, which is neutral and slightly polar, at codon 17 of the ADAR protein (p.Phe17Cys). This variant is present in population databases (no rsID available, gnomAD 0.003%). This variant has not been reported in the literature in individuals affected with ADAR-related conditions. An algorithm developed to predict the effect of missense changes on protein structure and function (PolyPhen-2) suggests that this variant is likely to be tolerated. In summary, the available evidence is currently insufficient to determine the role of this variant in disease. Therefore, it has been classified as a Variant of Uncertain Significance.

NM_001111.5(ADAR):c.50T>G (p.Phe17Cys)

Gene: ADAR (adenosine deaminase RNA specific; minus strand). Cytogenetic location: 1q21.3.
Variant type: single nucleotide variant.
Coding change: c.50T>G on transcript NM_001111.5 (MANE Select); coding-DNA position 50, T replaced by G.
Protein change: p.Phe17Cys; replaces phenylalanine 17 with cysteine.
Molecular consequence: missense variant. On other transcripts: 5 prime UTR variant (6).
Genome position (GRCh38, 1-based): chr1:154,602,592, A>C on the plus strand (T>G on the coding strand, the complement: ADAR is on the minus strand). VCF-style: chr1-154602592-A-C. GRCh37 (hg19) VCF-style: chr1-154575068-A-C.
Other names: c.-836T>G (NM_001025107.3, NM_001193495.2, NM_001365048.1); c.77T>G, p.Phe26Cys (NM_001365045.1); c.-700T>G (NM_001365046.1, NM_001365047.1, NM_001365049.1); c.50T>G, p.Phe17Cys (NM_015840.4, NM_015841.4); short protein forms F17C, F26C.
Identifiers: ClinVar variation 4783279 (VCV004783279.1).